The following is an entry in ClinVar:

ClinVar aggregate classification (germline): Uncertain significance (1 of 4 stars; one submission).

Submission:

Biesecker Lab/Clinical Genomics Section, National Institutes of Health
Classification: Uncertain significance. Last evaluated: 2013-06-24. Review status: criteria provided, single submitter. Criteria: Ng et al. (Circ Cardiovasc Genet. 2013). Collection method: research. Allele origin: unknown. Observed: 1 variant allele. Study: ClinSeq.
Comment: The study set was not selected for affection status in relation to any cancer. Pathogenicity categories were based on literature curation. See Pubmed ID:23861362 for details.

Medical sequencing

NM_001267550.2(TTN):c.86740A>T (p.Ile28914Phe)

Genes: TTN (titin; minus strand), TTN-AS1 (TTN antisense RNA 1; plus strand). Cytogenetic location: 2q31.2.
Variant type: single nucleotide variant.
Coding change: c.86740A>T on transcript NM_001267550.2 (MANE Select); coding-DNA position 86740, A replaced by T.
Protein change: p.Ile28914Phe; replaces isoleucine 28914 with phenylalanine.
Molecular consequence: missense variant.
Genome position (GRCh38, 1-based): chr2:178,559,392, T>A on the plus strand (A>T on the coding strand, the complement: TTN is on the minus strand). VCF-style: chr2-178559392-T-A. GRCh37 (hg19) VCF-style: chr2-179424119-T-A.
Other names: c.81817A>T, p.Ile27273Phe (NM_001256850.1); c.60121A>T, p.Ile20041Phe (NM_133437.4); c.59545A>T, p.Ile19849Phe (NM_003319.4); c.79036A>T, p.Ile26346Phe (NM_133378.4); c.59920A>T, p.Ile19974Phe (NM_133432.3); short protein forms I26346F, I28914F, I20041F, I27273F, I19849F, I19974F.
Identifiers: ClinVar variation 191866 (VCV000191866.1), dbSNP rs786205373, ClinGen allele CA237737.
Genomic context (GRCh38, chr2:178,559,392, plus strand): 5'-TTGTTTCAGCTGGTATACCAACACCAAACTCATTTTCTCCAGAGACTCTGAAGTAATAGA[T>A]AGCTCCTTCTTGTAAATTGGTAACTTTGTAGGAGAGGCGGTTACAGTTGTTGGTCACAGA-3'
Protein context (NP_001254479.2, residues 28904-28924): YKVTNLQEGA[Ile28914Phe]YYFRVSGENE